The following is an entry in ClinVar:

NM_020806.5(GPHN):c.963A>G (p.Lys321=)

Gene: GPHN (gephyrin; plus strand). Cytogenetic location: 14q23.3.
Variant type: single nucleotide variant.
Coding change: c.963A>G on transcript NM_020806.5 (MANE Select); coding-DNA position 963, A replaced by G.
Protein change: p.Lys321=; no amino-acid change (lysine 321 retained).
Molecular consequence: synonymous variant.
Genome position (GRCh38, 1-based): chr14:66,965,325, A>G. VCF-style: chr14-66965325-A-G. GRCh37 (hg19) VCF-style: chr14-67432042-A-G.
Other names: c.864A>G, p.Lys288= (NM_001024218.2, NM_001377515.1, NM_001377516.1 and 2 more transcripts); c.903A>G, p.Lys301= (NM_001377514.1, NM_001377519.1).
Identifiers: ClinVar variation 2157257 (VCV002157257.4), dbSNP rs749743239, ClinGen allele CA7233876.
Genomic context (GRCh38, chr14:66,965,325, plus strand): 5'-AGAATCGCCTCGTGCTCAGGCTACATCTCGCCTCTCTACAGCTTCCTGCCCAACACCAAA[A>G]GTAAGTATGGTTCCTTCGCATCTTACACCTGCTCTTCTATAGTAATCTGGGAAAACTAAC-3'
Protein context (NP_065857.1, residues 311-331): RLSTASCPTP[Lys321=]VQSRCSSKEN

ClinVar aggregate classification (germline): Uncertain significance (1 of 4 stars; one submission).

Conditions:
Sulfite oxidase deficiency due to molybdenum cofactor deficiency type C. Also called: Molybdenum cofactor deficiency C; Molybdenum cofactor deficiency, complementation group C. Identifiers: Orphanet 308400, Orphanet 833, MedGen C1854990, MONDO:0014212, OMIM 615501.

Allele frequency attached by ClinVar (database versions not stated): gnomAD exomes below 0.00001; ExAC 0.00001; TOPMed 0.00001.
gnomAD v4.1: 8 of 1,613,382 alleles (0.0005%); highest among the groups gnomAD compares: Non-Finnish European, 0.00068%; no homozygotes.

Submission:

Labcorp Genetics (formerly Invitae), Labcorp
Classification: Uncertain significance for Sulfite oxidase deficiency due to molybdenum cofactor deficiency type C. Last evaluated: 2025-10-01. Review status: criteria provided, single submitter. Criteria: Invitae Variant Classification Sherloc (09022015). Collection method: clinical testing. Allele origin: germline.
Comment: This sequence change affects codon 321 of the GPHN mRNA. It is a 'silent' change, meaning that it does not change the encoded amino acid sequence of the GPHN protein. It affects a nucleotide within the consensus splice site. This variant is present in population databases (rs749743239, gnomAD 0.003%). This variant has not been reported in the literature in individuals affected with GPHN-related conditions. ClinVar contains an entry for this variant (Variation ID: 2157257). Algorithms developed to predict the effect of sequence changes on RNA splicing suggest that this variant is not likely to affect RNA splicing. In summary, the available evidence is currently insufficient to determine the role of this variant in disease. Therefore, it has been classified as a Variant of Uncertain Significance.